The following is an entry in ClinVar:

ClinVar aggregate classification (germline): Uncertain significance (1 of 4 stars; one submission).

Submission:

Dasa
Classification: Uncertain significance. Last evaluated: 2025-04-10. Review status: criteria provided, single submitter. Criteria: DASA Assertion Criteria. Collection method: clinical testing. Allele origin: germline.
Comment: NM_005236.3(ERCC4):c.1373G>A (p.Ser458Asn) is a missense variant that results in the substitution of serine with asparagine. This variant is rare in population databases. Computational prediction algorithms are consistent with a benign effect. The currently available literature and clinical evidence are not sufficient to establish a definitive association between this variant and the reported condition. Therefore, this variant is classified as a variant of uncertain significance.

NM_005236.3(ERCC4):c.1373G>A (p.Ser458Asn)

Gene: ERCC4 (ERCC excision repair 4, endonuclease catalytic subunit; plus strand). Cytogenetic location: 16p13.12.
Variant type: single nucleotide variant.
Coding change: c.1373G>A on transcript NM_005236.3 (MANE Select); coding-DNA position 1373, G replaced by A.
Protein change: p.Ser458Asn; replaces serine 458 with asparagine.
Molecular consequence: missense variant.
Genome position (GRCh38, 1-based): chr16:13,935,305, G>A. VCF-style: chr16-13935305-G-A. GRCh37 (hg19) VCF-style: chr16-14029162-G-A.
Other names: short protein forms S458N.
Identifiers: ClinVar variation 4883260 (VCV004883260.2).